The following is an entry in ClinVar:

NM_017635.5(KMT5B):c.1351A>G (p.Lys451Glu)

Gene: KMT5B (lysine methyltransferase 5B; minus strand). Cytogenetic location: 11q13.2.
Variant type: single nucleotide variant.
Coding change: c.1351A>G on transcript NM_017635.5 (MANE Select); coding-DNA position 1351, A replaced by G.
Protein change: p.Lys451Glu; replaces lysine 451 with glutamic acid.
Molecular consequence: missense variant.
Genome position (GRCh38, 1-based): chr11:68,158,995, T>C on the plus strand (A>G on the coding strand, the complement: KMT5B is on the minus strand). VCF-style: chr11-68158995-T-C. GRCh37 (hg19) VCF-style: chr11-67926462-T-C.
Other names: c.835A>G, p.Lys279Glu (NM_001300907.1, NM_001369428.1, NM_001369429.1 and 4 more transcripts); c.631A>G, p.Lys211Glu (NM_001300908.2); c.1351A>G, p.Lys451Glu (NM_001369426.1); short protein forms K211E, K279E, K451E.
Identifiers: ClinVar variation 3774944 (VCV003774944.1).

ClinVar aggregate classification (germline): Uncertain significance (1 of 4 stars; one submission).

gnomAD v4.1: 2 of 1,611,872 alleles (0.00012%); highest among the groups gnomAD compares: Non-Finnish European, 0.000085%; no homozygotes.

Submission:

GeneDx
Classification: Uncertain significance. Last evaluated: 2024-09-26. Review status: criteria provided, single submitter. Criteria: GeneDx Variant Classification Process June 2021. Collection method: clinical testing. Allele origin: germline. Affected: yes.
Comment: Not observed at significant frequency in large population cohorts (gnomAD); In silico analysis indicates that this missense variant does not alter protein structure/function; Has not been previously published as pathogenic or benign to our knowledge